The following is an entry in ClinVar:

ClinVar aggregate classification (germline): Uncertain significance (1 of 4 stars; one submission).

Conditions:
Oto-palato-digital syndrome, type II (OPD2). Also called: FACIOPALATOOSSEOUS SYNDROME; OPD II SYNDROME; Otopalatodigital Syndrome, Type II; Otopalatodigital Syndrome Type 2 (FLNA-OPD2). Identifiers: Orphanet 669, Orphanet 90652, MedGen C1844696, MONDO:0010571, OMIM 304120.
Heterotopia, periventricular, X-linked dominant (PVNH1). Also called: PERIVENTRICULAR NODULAR HETEROTOPIA 4; HETEROTOPIA, PERIVENTRICULAR, 1; PERIVENTRICULAR NODULAR HETEROTOPIA 1; X-linked periventricular heterotopia. Identifiers: Orphanet 2149, Orphanet 82004, MedGen C1848213, MONDO:0010233, OMIM 300049.
Melnick-Needles syndrome (MNS). Also called: MELNICK-NEEDLES OSTEODYSPLASTY; OSTEODYSPLASTY OF MELNICK AND NEEDLES; Melnick-Needles Syndrome (FLNA-MNS). Identifiers: Orphanet 2484, MedGen C0025237, MONDO:0010650, OMIM 309350.
Frontometaphyseal dysplasia (FMD1). Identifiers: Orphanet 1826, MedGen C0265293, MONDO:0015942.

Submission:

Labcorp Genetics (formerly Invitae), Labcorp
Classification: Uncertain significance for Oto-palato-digital syndrome, type II; Heterotopia, periventricular, X-linked dominant; Frontometaphyseal dysplasia; Melnick-Needles syndrome. Last evaluated: 2020-12-04. Review status: criteria provided, single submitter. Criteria: Invitae Variant Classification Sherloc (09022015). Collection method: clinical testing. Allele origin: germline.
Comment: In summary, the available evidence is currently insufficient to determine the role of this variant in disease. Therefore, it has been classified as a Variant of Uncertain Significance. Advanced modeling of protein sequence and biophysical properties (such as structural, functional, and spatial information, amino acid conservation, physicochemical variation, residue mobility, and thermodynamic stability) performed at Invitae indicates that this missense variant is not expected to disrupt FLNA protein function. This variant has not been reported in the literature in individuals with FLNA-related conditions. This variant is not present in population databases (ExAC no frequency). This sequence change replaces valine with methionine at codon 1104 of the FLNA protein (p.Val1104Met). The valine residue is highly conserved and there is a small physicochemical difference between valine and methionine.

NM_001110556.2(FLNA):c.3310G>A (p.Val1104Met)

Gene: FLNA (filamin A; minus strand). Cytogenetic location: Xq28.
Variant type: single nucleotide variant.
Coding change: c.3310G>A on transcript NM_001110556.2 (MANE Select); coding-DNA position 3310, G replaced by A.
Protein change: p.Val1104Met; replaces valine 1104 with methionine.
Molecular consequence: missense variant.
Genome position (GRCh38, 1-based): chrX:154,360,485, C>T on the plus strand (G>A on the coding strand, the complement: FLNA is on the minus strand). VCF-style: chrX-154360485-C-T. GRCh37 (hg19) VCF-style: chrX-153588853-C-T.
Other names: c.3310G>A, p.Val1104Met (NM_001456.4); short protein forms V1104M.
Identifiers: ClinVar variation 1505531 (VCV001505531.8), dbSNP rs2148112364, ClinGen allele CA415228749.